The following is an entry in ClinVar:

NM_004360.5(CDH1):c.372C>G (p.Arg124=)

Gene: CDH1 (cadherin 1; plus strand). Cytogenetic location: 16q22.1.
Variant type: single nucleotide variant.
Coding change: c.372C>G on transcript NM_004360.5 (MANE Select); coding-DNA position 372, C replaced by G.
Protein change: p.Arg124=; no amino-acid change (arginine 124 retained).
Molecular consequence: synonymous variant. On other transcripts: 5 prime UTR variant (2).
Genome position (GRCh38, 1-based): chr16:68,801,878, C>G. VCF-style: chr16-68801878-C-G. GRCh37 (hg19) VCF-style: chr16-68835781-C-G.
Other names: c.372C>G, p.Arg124= (NM_001317184.2); c.-1244C>G (NM_001317185.2); c.-1448C>G (NM_001317186.2).
Identifiers: ClinVar variation 753396 (VCV000753396.10), dbSNP rs786201511, ClinGen allele CA496152710.
Genomic context (GRCh38, chr16:68,801,878, plus strand): 5'-CTCCACCTACAGAAAGTTTTCCACCAAAGTCACGCTGAATACAGTGGGGCACCACCACCG[C>G]CCCCCGCCCCATCAGGTATGTTGGCATTTTTCTGAGAAGTTCGCTGTTGTTTTAGTGCGC-3'
Protein context (NP_004351.1, residues 114-134): VTLNTVGHHH[Arg124=]PPPHQASVSG

ClinVar aggregate classification (germline): Benign/Likely benign. Review status: criteria provided, multiple submitters, no conflicts (2 of 4 stars). 2 submissions from 2 submitters: Benign (1); Likely benign (1). Last evaluated 2024-09-12.

Conditions:
Hereditary diffuse gastric adenocarcinoma (HDGC). Also called: DIFFUSE GASTRIC AND LOBULAR BREAST CANCER SYNDROME. Identifiers: Orphanet 26106, MedGen C1708349, MONDO:0007648, OMIM 137215.

Submissions (2):

Myriad Genetics, Inc.
Classification: Benign for Hereditary diffuse gastric adenocarcinoma. Last evaluated: 2024-09-12. Review status: criteria provided, single submitter. Criteria: Myriad Autosomal Dominant, Autosomal Recessive and X-Linked Classification Criteria (2023). Collection method: clinical testing. Allele origin: unknown.
Comment: This variant is considered benign. This variant is a silent/synonymous amino acid change and it is not expected to impact splicing.

Labcorp Genetics (formerly Invitae), Labcorp
Classification: Likely benign for Hereditary diffuse gastric adenocarcinoma. Last evaluated: 2018-09-19. Review status: criteria provided, single submitter. Criteria: Invitae Variant Classification Sherloc (09022015). Collection method: clinical testing. Allele origin: germline.